The following is an entry in ClinVar:

ClinVar aggregate classification (germline): Uncertain significance (1 of 4 stars; one submission).

gnomAD v4.1: 1 of 1,614,152 alleles (0.000062%); highest among the groups gnomAD compares: Admixed American, 0.0017%; no homozygotes.

Submission:

Labcorp Genetics (formerly Invitae), Labcorp
Classification: Uncertain significance. Last evaluated: 2022-05-30. Review status: criteria provided, single submitter. Criteria: Invitae Variant Classification Sherloc (09022015). Collection method: clinical testing. Allele origin: germline.
Comment: This sequence change replaces asparagine, which is neutral and polar, with lysine, which is basic and polar, at codon 904 of the DSCAML1 protein (p.Asn904Lys). This variant is present in population databases (rs767055301, gnomAD 0.003%). This variant has not been reported in the literature in individuals affected with DSCAML1-related conditions. Algorithms developed to predict the effect of missense changes on protein structure and function (SIFT, PolyPhen-2, Align-GVGD) all suggest that this variant is likely to be tolerated. In summary, the available evidence is currently insufficient to determine the role of this variant in disease. Therefore, it has been classified as a Variant of Uncertain Significance.

NM_020693.4(DSCAML1):c.2532C>G (p.Asn844Lys)

Gene: DSCAML1 (DS cell adhesion molecule like 1; minus strand). Cytogenetic location: 11q23.3.
Variant type: single nucleotide variant.
Coding change: c.2532C>G on transcript NM_020693.4 (MANE Select); coding-DNA position 2532, C replaced by G.
Protein change: p.Asn844Lys; replaces asparagine 844 with lysine.
Molecular consequence: missense variant.
Genome position (GRCh38, 1-based): chr11:117,481,990, G>C on the plus strand (C>G on the coding strand, the complement: DSCAML1 is on the minus strand). VCF-style: chr11-117481990-G-C. GRCh37 (hg19) VCF-style: chr11-117352705-G-C.
Other names: c.2532C>G, p.Asn844Lys (NM_001367904.1); short protein forms N844K.
Identifiers: ClinVar variation 1995685 (VCV001995685.4), dbSNP rs767055301, ClinGen allele CA6296984.